The following is an entry in ClinVar:

ClinVar aggregate classification (germline): Likely benign. Review status: criteria provided, multiple submitters, no conflicts (2 of 4 stars). 2 submissions from 2 submitters: Likely benign (2). Last evaluated 2025-05-16.

Conditions:
C1QTNF5-related disorder. Also called: C1QTNF5-related condition.

Allele frequency attached by ClinVar (database versions not stated): gnomAD exomes 0.00001 and 0.00003; TOPMed 0.00002; gnomAD 0.00001.
gnomAD v4.1: 9 of 1,467,184 alleles (0.00061%); highest among the groups gnomAD compares: Middle Eastern, 0.024%; no homozygotes.

Submissions (2):

PreventionGenetics, part of Exact Sciences
Classification: Likely benign for C1QTNF5-related condition. Last evaluated: 2025-05-16. Review status: criteria provided, single submitter. Criteria: ACMG Guidelines, 2015. Collection method: clinical testing. Allele origin: germline.
Comment: This variant is classified as likely benign based on ACMG/AMP sequence variant interpretation guidelines (Richards et al. 2015 PMID: 25741868, with internal and published modifications).

Labcorp Genetics (formerly Invitae), Labcorp
Classification: Likely benign. Last evaluated: 2024-04-17. Review status: criteria provided, single submitter. Criteria: Invitae Variant Classification Sherloc (09022015). Collection method: clinical testing. Allele origin: germline.

NM_001278431.2(C1QTNF5):c.215-4G>A

Genes: C1QTNF5 (C1q and TNF related 5; minus strand), MFRP (membrane frizzled-related protein; minus strand). Cytogenetic location: 11q23.3.
Variant type: single nucleotide variant.
Coding change: c.215-4G>A on transcript NM_001278431.2 (MANE Select); 4 bases into the intron before coding-DNA position 215, G replaced by A.
Molecular consequence: intron variant.
Genome position (GRCh38, 1-based): chr11:119,339,852, C>T on the plus strand (G>A on the coding strand, the complement: C1QTNF5 is on the minus strand). VCF-style: chr11-119339852-C-T. GRCh37 (hg19) VCF-style: chr11-119210562-C-T.
Other names: c.215-4G>A (NM_001278431.1, NM_015645.5); c.*1111-4G>A (NM_031433.4).
Identifiers: ClinVar variation 1671062 (VCV001671062.9), dbSNP rs376239020, ClinGen allele CA229674762.